The following is an entry in ClinVar:

ClinVar aggregate classification (germline): Likely pathogenic (1 of 4 stars; one submission).

Conditions:
Nemaline myopathy 2 (NEM2). Also called: Nemaline myopathy 2, autosomal recessive. Identifiers: MedGen C1850569, MONDO:0009725, OMIM 256030.

Submission:

Myriad Genetics, Inc.
Classification: Likely pathogenic for Nemaline myopathy 2. Last evaluated: 2022-01-02. Review status: criteria provided, single submitter. Criteria: Myriad Women's Health Autosomal Recessive and X-Linked Classification Criteria (2021). Collection method: clinical testing. Allele origin: unknown.
Comment: NM_001271208.1(NEB):c.22247_22248delTG(V7416Dfs*6) is expected to be pathogenic in the context of NEB-related nemaline myopathy. This variant is predicted to lead to an abnormal or absent protein product due to the creation of a premature termination codon in NEB, a gene where loss-of-function variants are known to be pathogenic. Please note: this variant was assessed in the context of healthy population screening.

NM_001164508.2(NEB):c.22142_22143del (p.Val7381fs)

Genes: NEB (nebulin; minus strand), RIF1 (replication timing regulatory factor 1; plus strand). Cytogenetic location: 2q23.3.
Variant type: Deletion.
Coding change: c.22142_22143del on transcript NM_001164508.2 (MANE Select); coding-DNA positions 22142 to 22143, 2 bases deleted (TG; older notation c.22142_22143delTG).
Protein change: p.Val7381fs; shifts the reading frame from valine 7381.
Molecular consequence: frameshift variant.
Genome position (GRCh38, 1-based): chr2:151,525,976-151,525,977, CA deleted on the plus strand (TG on the coding strand, the reverse complement: NEB is on the minus strand); deleting any 2 consecutive bases within chr2:151,525,976-151,525,978 gives the same sequence; the c. name uses the placement nearest the transcript's 3' end. VCF-style (leftmost placement, unchanged base first): chr2-151525975-TCA-T. GRCh37 (hg19) VCF-style: chr2-152382489-TCA-T.
Other names: c.22142_22143del, p.Val7381fs (NM_001164507.2); c.22247_22248del, p.Val7416fs (NM_001271208.2); c.17039_17040del, p.Val5680fs (NM_004543.5); short protein forms V5680fs, V7381fs, V7416fs.
Identifiers: ClinVar variation 1726877 (VCV001726877.2), dbSNP rs2552116538, ClinGen allele CA2580064005.
Genomic context (GRCh38, chr2:151,525,975, plus strand): 5'-AGTGGCATTGTTGCTGCCAAGAGACCGGTGGTTGATCACTTACATCACTGACATGCTTGG[TCA>T]CTTCCTTGACGTGAACAGTGTCCCGGGTCTCTGGTAGTGTTGTGTATGAGCCCTGTGCCA-3'